The following is an entry in ClinVar:

NM_006306.4(SMC1A):c.1682A>G (p.Lys561Arg)

Gene: SMC1A (structural maintenance of chromosomes 1A; minus strand). Cytogenetic location: Xp11.22.
Variant type: single nucleotide variant.
Coding change: c.1682A>G on transcript NM_006306.4 (MANE Select); coding-DNA position 1682, A replaced by G.
Protein change: p.Lys561Arg; replaces lysine 561 with arginine.
Molecular consequence: missense variant.
Genome position (GRCh38, 1-based): chrX:53,405,820, T>C on the plus strand (A>G on the coding strand, the complement: SMC1A is on the minus strand). VCF-style: chrX-53405820-T-C. GRCh37 (hg19) VCF-style: chrX-53432752-T-C.
Other names: c.1616A>G, p.Lys539Arg (NM_001281463.1); short protein forms K539R, K561R.
Identifiers: ClinVar variation 950098 (VCV000950098.9), dbSNP rs2075689167, ClinGen allele CA413253562.
Genomic context (GRCh38, chrX:53,405,820, plus strand): 5'-ACAAGCCTCACCTCCAGGTAGTCAAGAGGCAAGAAGGTCTCAGGCTCCCCACGCTGCTCC[T>C]TGATATACTGAATACAGTCCCGGCCTGTCTTCTCCGAGTCCACAATAATGGCATCCATGT-3'
Protein context (NP_006297.2, residues 551-571): KTGRDCIQYI[Lys561Arg]EQRGEPETFL

ClinVar aggregate classification (germline): Uncertain significance (1 of 4 stars; one submission).

Conditions:
Congenital muscular hypertrophy-cerebral syndrome (CDLS2). Also called: Cornelia de Lange syndrome 2; SMC1A-Related Cornelia de Lange Syndrome. Identifiers: Orphanet 199, MedGen C1802395, MONDO:0010370, OMIM 300590.

Submission:

Labcorp Genetics (formerly Invitae), Labcorp
Classification: Uncertain significance for Congenital muscular hypertrophy-cerebral syndrome. Last evaluated: 2019-07-02. Review status: criteria provided, single submitter. Criteria: Invitae Variant Classification Sherloc (09022015). Collection method: clinical testing. Allele origin: germline.
Comment: This sequence change replaces lysine with arginine at codon 561 of the SMC1A protein (p.Lys561Arg). The lysine residue is highly conserved and there is a small physicochemical difference between lysine and arginine. This variant is not present in population databases (ExAC no frequency). This variant has not been reported in the literature in individuals with SMC1A-related conditions. Algorithms developed to predict the effect of missense changes on protein structure and function are either unavailable or do not agree on the potential impact of this missense change (SIFT: "Deleterious"; PolyPhen-2: "Probably Damaging"; Align-GVGD: "Class C0"). In summary, the available evidence is currently insufficient to determine the role of this variant in disease. Therefore, it has been classified as a Variant of Uncertain Significance.